The following is an entry in ClinVar:

NM_001371904.1(APOA5):c.761G>T (p.Arg254Leu)

Gene: APOA5 (apolipoprotein A5; minus strand). Cytogenetic location: 11q23.3.
Variant type: single nucleotide variant.
Coding change: c.761G>T on transcript NM_001371904.1 (MANE Select); coding-DNA position 761, G replaced by T.
Protein change: p.Arg254Leu; replaces arginine 254 with leucine.
Molecular consequence: missense variant.
Genome position (GRCh38, 1-based): chr11:116,790,468, C>A on the plus strand (G>T on the coding strand, the complement: APOA5 is on the minus strand). VCF-style: chr11-116790468-C-A. GRCh37 (hg19) VCF-style: chr11-116661184-C-A.
Other names: c.761G>T, p.Arg254Leu (NM_001166598.2, NM_052968.5); short protein forms R254L.
Identifiers: ClinVar variation 1050752 (VCV001050752.1), dbSNP rs2134202927, ClinGen allele CA382736529.
Genomic context (GRCh38, chr11:116,790,468, plus strand): 5'-GGGTCCGGGCCGGCCCCTTCCTCAGTCCCAGTGCCTGCAAAGGCTCTGCTGAGCTCTTCG[C>A]GCAGCTGGTCCAGGTTCTGCTGGATGCGTGCGTGCAGGGCCTTGGCCTTGAGCGTGAGCT-3'
Protein context (NP_001358833.1, residues 244-264): ARIQQNLDQL[Arg254Leu]EELSRAFAGT

ClinVar aggregate classification (germline): Uncertain significance (0 of 4 stars; one submission).

Submission:

Department of Pathology and Laboratory Medicine, Sinai Health System
Classification: Uncertain significance. Review status: no assertion criteria provided. Collection method: clinical testing. Allele origin: unknown. Affected: yes. Study: The Canadian Open Genetics Repository (COGR).
Comment: The APOA5 p.(Arg254Leu) variant was not identified in the literature nor was it identified in the dbSNP, ClinVar, Cosmic, MutDB or LOVD 3.0 databases. The variant was not identified in the following control databases: the 1000 Genomes Project, the NHLBI GO Exome Sequencing Project, the Exome Aggregation Consortium (August 8th 2016), or the Genome Aggregation Database (Feb 27, 2017). The APOA5 gene is associated with Hyperchylomicronemia (AD).The p.Arg254 residue is conserved in mammals however computational analyses (PolyPhen-2, SIFT, AlignGVGD, MutationTaster) provide inconsistent predictions regarding the impact to the protein; this information is not very predictive of pathogenicity. In summary, based on the above information the clinical significance of this variant cannot be determined with certainty at this time. This variant is classified as a variant of uncertain significance.